The following is an entry in ClinVar:

NM_006231.4(POLE):c.6199A>G (p.Thr2067Ala)

Gene: POLE (DNA polymerase epsilon, catalytic subunit; minus strand). Cytogenetic location: 12q24.33.
Variant type: single nucleotide variant.
Coding change: c.6199A>G on transcript NM_006231.4 (MANE Select); coding-DNA position 6199, A replaced by G.
Protein change: p.Thr2067Ala; replaces threonine 2067 with alanine.
Molecular consequence: missense variant.
Genome position (GRCh38, 1-based): chr12:132,632,446, T>C on the plus strand (A>G on the coding strand, the complement: POLE is on the minus strand). VCF-style: chr12-132632446-T-C. GRCh37 (hg19) VCF-style: chr12-133209032-T-C.
Other names: short protein forms T2067A.
Identifiers: ClinVar variation 2496848 (VCV002496848.2), dbSNP rs2138460893, ClinGen allele CA387369762.

ClinVar aggregate classification (germline): Uncertain significance (1 of 4 stars; one submission).

Conditions:
Hereditary cancer-predisposing syndrome. Also called: Neoplastic Syndromes, Hereditary; Hereditary neoplastic syndrome; Tumor predisposition; Hereditary Cancer Syndrome. Identifiers: Orphanet 140162, MedGen C0027672, MeSH D009386, MONDO:0015356.

Allele frequency attached by ClinVar (database versions not stated): gnomAD exomes below 0.00001.
gnomAD v4.1: 1 of 1,613,784 alleles (0.000062%); highest among the groups gnomAD compares: Non-Finnish European, 0.000085%; no homozygotes.

Submission:

Ambry Genetics
Classification: Uncertain significance for Hereditary cancer-predisposing syndrome. Last evaluated: 2023-03-02. Review status: criteria provided, single submitter. Criteria: Ambry Variant Classification Scheme 2023. Collection method: clinical testing. Allele origin: germline.
Comment: The p.T2067A variant (also known as c.6199A>G), located in coding exon 45 of the POLE gene, results from an A to G substitution at nucleotide position 6199. The threonine at codon 2067 is replaced by alanine, an amino acid with similar properties. This amino acid position is conserved. In addition, the in silico prediction for this alteration is inconclusive. Since supporting evidence is limited at this time, the clinical significance of this alteration remains unclear.